The following is an entry in ClinVar:

NM_172107.4(KCNQ2):c.635A>G (p.Asp212Gly)

Gene: KCNQ2 (potassium voltage-gated channel subfamily Q member 2; minus strand). Cytogenetic location: 20q13.33.
Variant type: single nucleotide variant.
Coding change: c.635A>G on transcript NM_172107.4 (MANE Select); coding-DNA position 635, A replaced by G.
Protein change: p.Asp212Gly; replaces aspartic acid 212 with glycine.
Molecular consequence: missense variant.
Genome position (GRCh38, 1-based): chr20:63,444,714, T>C on the plus strand (A>G on the coding strand, the complement: KCNQ2 is on the minus strand). VCF-style: chr20-63444714-T-C. GRCh37 (hg19) VCF-style: chr20-62076067-T-C.
Other names: c.635A>G, p.Asp212Gly (NM_004518.6, NM_172106.3, NM_172108.5 and 1 more transcripts); short protein forms D212G.
Identifiers: ClinVar variation 21794 (VCV000021794.13), dbSNP rs118192202, ClinGen allele CA342517.

ClinVar aggregate classification (germline): Pathogenic. Review status: criteria provided, single submitter (1 of 4 stars). 2 submissions from 2 submitters: Pathogenic (1). 1 of the submissions does not count toward it. Last evaluated 2023-09-15.

Conditions:
Early-infantile DEE. Also called: Early infantile epileptic encephalopathy with suppression bursts; Ohtahara syndrome; Early infantile epileptic encephalopathy. Identifiers: Orphanet 1934, MedGen C0393706, MONDO:0800491.
Seizures, benign familial neonatal, 1. Also called: Benign Neonatal Epilepsy 1; KCNQ2-Related Benign Familial Neonatal Epilepsy; KCNQ2-Related Self-Limited Familial Neonatal Epilepsy (SLFNE); Seizures, benign neonatal, 1. Identifiers: Orphanet 1949, MedGen C3149074, MONDO:0007365, OMIM 121200.

Submissions (8):

Labcorp Genetics (formerly Invitae), Labcorp
Classification: Pathogenic for Early-infantile DEE. Last evaluated: 2023-09-15. Review status: criteria provided, single submitter. Criteria: Invitae Variant Classification Sherloc (09022015). Collection method: clinical testing. Allele origin: germline.
Comment: This sequence change replaces aspartic acid, which is acidic and polar, with glycine, which is neutral and non-polar, at codon 212 of the KCNQ2 protein (p.Asp212Gly). This variant is not present in population databases (gnomAD no frequency). This missense change has been observed in individual(s) with KCNQ2-related conditions (PMID: 19344764). In at least one individual the variant was observed to be de novo. ClinVar contains an entry for this variant (Variation ID: 21794). Advanced modeling of protein sequence and biophysical properties (such as structural, functional, and spatial information, amino acid conservation, physicochemical variation, residue mobility, and thermodynamic stability) performed at Invitae indicates that this missense variant is expected to disrupt KCNQ2 protein function. For these reasons, this variant has been classified as Pathogenic. This variant disrupts the p.Asp212 amino acid residue in KCNQ2. Other variant(s) that disrupt this residue have been determined to be pathogenic (Invitae). This suggests that this residue is clinically significant, and that variants that disrupt this residue are likely to be disease-causing. Experimental studies have shown that this missense change affects KCNQ2 function (PMID: 19344764).

Channelopathy-Associated Epilepsy Research Center
No classification provided (evidence only). Condition: Complex neurodevelopmental disorder. Review status: no classification provided. Collection method: literature only. Allele origin: not applicable. Functional consequence: Severe decrease in peak current, Mild slowing of activation, Mild depolarizing shift of voltage dependence of activation. Not counted in ClinVar's aggregate classification.
ClinVar note: "not provided" was previously submitted as the classification for the variant. However, the classification appeared to be based only on an observation of functional data so it was converted to no classification on 2025-07-30.

Channelopathy-Associated Epilepsy Research Center
No classification provided (evidence only). Review status: no classification provided. Collection method: in vitro. Allele origin: not applicable. Functional consequence: Decrease in peak current. Not counted in ClinVar's aggregate classification.

Channelopathy-Associated Epilepsy Research Center
No classification provided (evidence only). Review status: no classification provided. Collection method: in vitro. Allele origin: not applicable. Functional consequence: Decrease in peak current. Not counted in ClinVar's aggregate classification.

Channelopathy-Associated Epilepsy Research Center
No classification provided (evidence only). Review status: no classification provided. Collection method: in vitro. Allele origin: not applicable. Functional consequence: Depolarizing shift of voltage dependence of activation. Not counted in ClinVar's aggregate classification.

Channelopathy-Associated Epilepsy Research Center
No classification provided (evidence only). Review status: no classification provided. Collection method: in vitro. Allele origin: not applicable. Functional consequence: Normal slope of activation. Not counted in ClinVar's aggregate classification.

Channelopathy-Associated Epilepsy Research Center
No classification provided (evidence only). Review status: no classification provided. Collection method: in vitro. Allele origin: not applicable. Functional consequence: Normal rate of activation. Not counted in ClinVar's aggregate classification.

GeneReviews
No classification provided. Condition: Seizures, benign familial neonatal, 1. Review status: no classification provided. Collection method: literature only. Allele origin: germline. Affected: yes. Not counted in ClinVar's aggregate classification.
Comment: BFNE (benign familial neonatal epilepsy)

Functional effect: Rightward shift in current voltage-dependence; increased rate of channel deactivation

Literature cited by the submitters: PubMed 19344764 (cited by Labcorp Genetics (formerly Invitae), Labcorp and GeneReviews); PubMed 35104249 (cited by Channelopathy-Associated Epilepsy Research Center); NCBI Bookshelf NBK32534 (cited by GeneReviews).